The following is an entry in ClinVar:

ClinVar aggregate classification (germline): Uncertain significance (1 of 4 stars; one submission).

Conditions:
Usher syndrome type 3B. Also called: USHER SYNDROME, TYPE IIIB. Identifiers: MedGen C3281066, MONDO:0013788, OMIM 614504.

Allele frequency attached by ClinVar (database versions not stated): gnomAD exomes below 0.00001 and 0.00003; gnomAD 0.00001; ExAC 0.00002; TOPMed 0.00002; 1000 Genomes Project 30x 0.00016; 1000 Genomes Project 0.00020.
gnomAD v4.1: 5 of 1,571,970 alleles (0.00032%); highest among the groups gnomAD compares: East Asian, 0.011%; no homozygotes.

Submission:

Labcorp Genetics (formerly Invitae), Labcorp
Classification: Uncertain significance for Usher syndrome type 3B. Last evaluated: 2022-01-26. Review status: criteria provided, single submitter. Criteria: Invitae Variant Classification Sherloc (09022015). Collection method: clinical testing. Allele origin: germline.
Comment: This sequence change replaces leucine, which is neutral and non-polar, with valine, which is neutral and non-polar, at codon 103 of the HARS protein (p.Leu103Val). In summary, the available evidence is currently insufficient to determine the role of this variant in disease. Therefore, it has been classified as a Variant of Uncertain Significance. Algorithms developed to predict the effect of missense changes on protein structure and function are either unavailable or do not agree on the potential impact of this missense change (SIFT: "Deleterious"; PolyPhen-2: "Probably Damaging"; Align-GVGD: "Class C0"). This variant has not been reported in the literature in individuals affected with HARS-related conditions. This variant is present in population databases (rs556459899, gnomAD 0.03%).

NM_002109.6(HARS1):c.307C>G (p.Leu103Val)

Gene: HARS1 (histidyl-tRNA synthetase 1; minus strand). Cytogenetic location: 5q31.3.
Variant type: single nucleotide variant.
Coding change: c.307C>G on transcript NM_002109.6 (MANE Select); coding-DNA position 307, C replaced by G.
Protein change: p.Leu103Val; replaces leucine 103 with valine.
Molecular consequence: missense variant. On other transcripts: intron variant (2).
Genome position (GRCh38, 1-based): chr5:140,679,877, G>C on the plus strand (C>G on the coding strand, the complement: HARS1 is on the minus strand). VCF-style: chr5-140679877-G-C. GRCh37 (hg19) VCF-style: chr5-140059462-G-C.
Other names: c.187C>G, p.Leu63Val (NM_001258040.3, NM_001258042.3); c.307C>G, p.Leu103Val (NM_001258041.3); c.220C>G, p.Leu74Val (NM_001289094.2); c.181-1862C>G (NM_001289093.2); c.301-1862C>G (NM_001289092.2); short protein forms L103V, L63V, L74V.
Identifiers: ClinVar variation 1680357 (VCV001680357.6), dbSNP rs556459899, ClinGen allele CA3444136.